The following is an entry in ClinVar:

NM_006206.6(PDGFRA):c.2562T>A (p.Ser854Arg)

Gene: PDGFRA (platelet derived growth factor receptor alpha; plus strand). Cytogenetic location: 4q12.
Variant type: single nucleotide variant.
Coding change: c.2562T>A on transcript NM_006206.6 (MANE Select); coding-DNA position 2562, T replaced by A.
Protein change: p.Ser854Arg; replaces serine 854 with arginine.
Molecular consequence: missense variant.
Genome position (GRCh38, 1-based): chr4:54,285,963, T>A. VCF-style: chr4-54285963-T-A. GRCh37 (hg19) VCF-style: chr4-55152130-T-A.
Other names: c.2637T>A, p.Ser879Arg (NM_001347828.2); c.2562T>A, p.Ser854Arg (NM_001347829.2); c.2601T>A, p.Ser867Arg (NM_001347830.2); short protein forms S854R, S867R, S879R.
Identifiers: ClinVar variation 528572 (VCV000528572.9), dbSNP rs1164252451, ClinGen allele CA356895111.

ClinVar aggregate classification (germline): Uncertain significance (1 of 4 stars; one submission).

Conditions:
Gastrointestinal stromal tumor. Also called: Gastrointestinal stroma tumor; Gastrointestinal stromal tumor, somatic. Identifiers: Orphanet 44890, MedGen C0238198, MeSH D046152, MONDO:0011719, OMIM 606764, HP:0100723.

Submission:

Labcorp Genetics (formerly Invitae), Labcorp
Classification: Uncertain significance for Gastrointestinal stromal tumor. Last evaluated: 2017-11-04. Review status: criteria provided, single submitter. Criteria: Invitae Variant Classification Sherloc (09022015). Collection method: clinical testing. Allele origin: germline.
Comment: In summary, the available evidence is currently insufficient to determine the role of this variant in disease. Therefore, it has been classified as a Variant of Uncertain Significance. Algorithms developed to predict the effect of missense changes on protein structure and function (SIFT, PolyPhen-2, Align-GVGD) all suggest that this variant is likely to be disruptive, but these predictions have not been confirmed by published functional studies and their clinical significance is uncertain. This variant has not been reported in the literature in individuals with PDGFRA-related disease. This variant is not present in population databases (ExAC no frequency). This sequence change replaces serine with arginine at codon 854 of the PDGFRA protein (p.Ser854Arg). The serine residue is highly conserved and there is a moderate physicochemical difference between serine and arginine.